The following is an entry in ClinVar:

ClinVar aggregate classification (germline): Uncertain significance (1 of 4 stars; one submission).

gnomAD v4.1: 5 of 1,612,064 alleles (0.00031%); highest among the groups gnomAD compares: Admixed American, 0.0067%; no homozygotes.

Submission:

GeneDx
Classification: Uncertain significance. Last evaluated: 2025-08-14. Review status: criteria provided, single submitter. Criteria: GeneDx Variant Classification Process June 2021. Collection method: clinical testing. Allele origin: germline. Affected: yes.
Comment: Not observed at significant frequency in large population cohorts (gnomAD); Has not been previously published as pathogenic or benign to our knowledge

NM_001743.6(CALM2):c.-50G>C

Gene: CALM2 (calmodulin 2; minus strand). Cytogenetic location: 2p21.
Variant type: single nucleotide variant.
Coding change: c.-50G>C on transcript NM_001743.6 (MANE Select); 50 bases upstream of the start codon, G replaced by C.
Molecular consequence: 5 prime UTR variant. On other transcripts: missense variant (1), intron variant (1).
Genome position (GRCh38, 1-based): chr2:47,176,493, C>G on the plus strand (G>C on the coding strand, the complement: CALM2 is on the minus strand). VCF-style: chr2-47176493-C-G. GRCh37 (hg19) VCF-style: chr2-47403632-C-G.
Other names: c.49G>C, p.Glu17Gln (NM_001305624.1); c.-106+356G>C (NM_001305625.2); short protein forms E17Q.
Identifiers: ClinVar variation 4795755 (VCV004795755.1).